The following is an entry in ClinVar:

ClinVar aggregate classification (germline): Uncertain significance (1 of 4 stars; one submission).

gnomAD v4.1: 13 of 1,613,666 alleles (0.00081%); highest among the groups gnomAD compares: Non-Finnish European, 0.0011%; no homozygotes.

Submission:

Labcorp Genetics (formerly Invitae), Labcorp
Classification: Uncertain significance. Last evaluated: 2021-07-26. Review status: criteria provided, single submitter. Criteria: Invitae Variant Classification Sherloc (09022015). Collection method: clinical testing. Allele origin: germline.
Comment: This sequence change replaces leucine with arginine at codon 1315 of the CEP250 protein (p.Leu1315Arg). The leucine residue is moderately conserved and there is a moderate physicochemical difference between leucine and arginine. This variant is not present in population databases (ExAC no frequency). This variant has not been reported in the literature in individuals affected with CEP250-related conditions. Algorithms developed to predict the effect of missense changes on protein structure and function are either unavailable or do not agree on the potential impact of this missense change (SIFT: "Not Available"; PolyPhen-2: "Probably Damaging"; Align-GVGD: "Not Available"). In summary, the available evidence is currently insufficient to determine the role of this variant in disease. Therefore, it has been classified as a Variant of Uncertain Significance.

NM_007186.6(CEP250):c.3944T>G (p.Leu1315Arg)

Gene: CEP250 (centrosomal protein 250; plus strand). Cytogenetic location: 20q11.22.
Variant type: single nucleotide variant.
Coding change: c.3944T>G on transcript NM_007186.6 (MANE Select); coding-DNA position 3944, T replaced by G.
Protein change: p.Leu1315Arg; replaces leucine 1315 with arginine.
Molecular consequence: missense variant.
Genome position (GRCh38, 1-based): chr20:35,501,890, T>G. VCF-style: chr20-35501890-T-G. GRCh37 (hg19) VCF-style: chr20-34089717-T-G.
Other names: c.2048T>G, p.Leu683Arg (NM_001318219.1); short protein forms L683R, L1315R.
Identifiers: ClinVar variation 1478098 (VCV001478098.6), dbSNP rs377363665, ClinGen allele CA408746542.
Genomic context (GRCh38, chr20:35,501,890, plus strand): 5'-CCTCTCTTCTCAAAGAGAAATCTAAGTGGGAAGGAAAGCAGAACTCCCTAGAATCTGAGC[T>G]GATGGAACTACATGAAACTATGGCATCCTTACAGAGTCGCCTGCGGAGAGCAGAGCTACA-3'
Protein context (NP_009117.2, residues 1305-1325): EGKQNSLESE[Leu1315Arg]MELHETMASL